The following is an entry in ClinVar:

NM_005751.5(AKAP9):c.1508A>G (p.Gln503Arg)

Gene: AKAP9 (A-kinase anchoring protein 9; plus strand). Cytogenetic location: 7q21.2.
Variant type: single nucleotide variant.
Coding change: c.1508A>G on transcript NM_005751.5 (MANE Select); coding-DNA position 1508, A replaced by G.
Protein change: p.Gln503Arg; replaces glutamine 503 with arginine.
Molecular consequence: missense variant.
Genome position (GRCh38, 1-based): chr7:92,001,425, A>G. VCF-style: chr7-92001425-A-G. GRCh37 (hg19) VCF-style: chr7-91630739-A-G.
Other names: c.1508A>G, p.Gln503Arg (NM_147185.3); short protein forms Q503R.
Identifiers: ClinVar variation 518665 (VCV000518665.15), dbSNP rs374700234, ClinGen allele CA4336023.

ClinVar aggregate classification (germline): Conflicting classifications of pathogenicity. Review status: criteria provided, conflicting classifications (1 of 4 stars). 3 submissions from 3 submitters: Uncertain significance (2); Likely benign (1). Last evaluated 2025-11-03.

Conditions:
Long QT syndrome (LQTS). Identifiers: MedGen C0023976, MeSH D008133, MONDO:0002442. Disease mechanism: loss of function. Inheritance: Various modes of inheritance.
Cardiovascular phenotype. Identifiers: MedGen CN230736.
Long QT syndrome 11 (LQT11). Identifiers: Orphanet 101016, Orphanet 768, MedGen C2678483, MONDO:0012738, OMIM 611820.

Allele frequency attached by ClinVar (database versions not stated): gnomAD exomes 0.00004 and 0.00008; gnomAD 0.00005 and 0.00004; TOPMed 0.00006; ExAC 0.00007; ESP Exome Variant Server 0.00008; 1000 Genomes Project 30x 0.00016; 1000 Genomes Project 0.00020.
gnomAD v4.1: 61 of 1,613,832 alleles (0.0038%); highest among the groups gnomAD compares: Admixed American, 0.018%; 1 homozygote.

Submissions (3):

Labcorp Genetics (formerly Invitae), Labcorp
Classification: Uncertain significance for Long QT syndrome. Last evaluated: 2025-11-03. Review status: criteria provided, single submitter. Criteria: Invitae Variant Classification Sherloc (09022015). Collection method: clinical testing. Allele origin: germline.
Comment: This sequence change replaces glutamine, which is neutral and polar, with arginine, which is basic and polar, at codon 503 of the AKAP9 protein (p.Gln503Arg). This variant is present in population databases (rs374700234, gnomAD 0.02%). This missense change has been observed in individual(s) with Brugada syndrome (PMID: 38426305). ClinVar contains an entry for this variant (Variation ID: 518665). An algorithm developed to predict the effect of missense changes on protein structure and function (PolyPhen-2) suggests that this variant is likely to be disruptive. In summary, the available evidence is currently insufficient to determine the role of this variant in disease. Therefore, it has been classified as a Variant of Uncertain Significance.

Ambry Genetics
Classification: Likely benign for Cardiovascular phenotype. Last evaluated: 2022-06-08. Review status: criteria provided, single submitter. Criteria: Ambry Variant Classification Scheme 2023. Collection method: clinical testing. Allele origin: germline.

Fulgent Genetics
Classification: Uncertain significance for Long QT syndrome 11. Last evaluated: 2021-10-25. Review status: criteria provided, single submitter. Criteria: ACMG Guidelines, 2015. Collection method: clinical testing. Allele origin: unknown.

Literature cited by the submitters: PubMed 38426305 (cited by Labcorp Genetics (formerly Invitae), Labcorp).